The following is an entry in ClinVar:

ClinVar aggregate classification (germline): Uncertain significance (1 of 4 stars; one submission).

gnomAD v4.1: 1 of 1,614,042 alleles (0.000062%); highest among the groups gnomAD compares: Non-Finnish European, 0.000085%; no homozygotes.

Submission:

CeGaT Center for Human Genetics Tuebingen
Classification: Uncertain significance. Last evaluated: 2026-03-01. Review status: criteria provided, single submitter. Criteria: CeGaT Center For Human Genetics Tuebingen Variant Classification Criteria Version 2. Collection method: clinical testing. Allele origin: germline. Affected: yes. Observed: 1 variant allele.
Comment: ANK1: PM2, BP4

NM_000037.4(ANK1):c.2560G>T (p.Val854Leu)

Gene: ANK1 (ankyrin 1; minus strand). Cytogenetic location: 8p11.21.
Variant type: single nucleotide variant.
Coding change: c.2560G>T on transcript NM_000037.4 (MANE Select); coding-DNA position 2560, G replaced by T.
Protein change: p.Val854Leu; replaces valine 854 with leucine.
Molecular consequence: missense variant.
Genome position (GRCh38, 1-based): chr8:41,698,120, C>A on the plus strand (G>T on the coding strand, the complement: ANK1 is on the minus strand). VCF-style: chr8-41698120-C-A. GRCh37 (hg19) VCF-style: chr8-41555638-C-A.
Other names: c.2683G>T, p.Val895Leu (NM_001142446.2); c.2560G>T, p.Val854Leu (NM_020475.3, NM_020476.3, NM_020477.3); short protein forms V854L, V895L.
Identifiers: ClinVar variation 4822307 (VCV004822307.4).